The following is an entry in ClinVar:

NM_032119.4(ADGRV1):c.182C>T (p.Pro61Leu)

Gene: ADGRV1 (adhesion G protein-coupled receptor V1; plus strand). Cytogenetic location: 5q14.3.
Variant type: single nucleotide variant.
Coding change: c.182C>T on transcript NM_032119.4 (MANE Select); coding-DNA position 182, C replaced by T.
Protein change: p.Pro61Leu; replaces proline 61 with leucine.
Molecular consequence: missense variant. On other transcripts: non-coding transcript variant (1).
Genome position (GRCh38, 1-based): chr5:90,614,994, C>T. VCF-style: chr5-90614994-C-T. GRCh37 (hg19) VCF-style: chr5-89910811-C-T.
Other names: short protein forms P61L.
Identifiers: ClinVar variation 1052523 (VCV001052523.10), dbSNP rs1210967634, ClinGen allele CA360382966.

ClinVar aggregate classification (germline): Uncertain significance. Review status: criteria provided, multiple submitters, no conflicts (2 of 4 stars). 2 submissions from 2 submitters: Uncertain significance (2). Last evaluated 2024-02-19.

Allele frequency attached by ClinVar (database versions not stated): gnomAD 0.00001; gnomAD exomes 0.00001; TOPMed 0.00001.
gnomAD v4.1: 18 of 1,479,310 alleles (0.0012%); highest among the groups gnomAD compares: Non-Finnish European, 0.0014%; no homozygotes.

Submissions (2):

Blueprint Genetics
Classification: Uncertain significance. Last evaluated: 2024-02-19. Review status: criteria provided, single submitter. Criteria: ACMG Guidelines, 2015. Collection method: clinical testing. Allele origin: germline.

Labcorp Genetics (formerly Invitae), Labcorp
Classification: Uncertain significance. Last evaluated: 2022-10-13. Review status: criteria provided, single submitter. Criteria: Invitae Variant Classification Sherloc (09022015). Collection method: clinical testing. Allele origin: germline.
Comment: This variant has not been reported in the literature in individuals affected with ADGRV1-related conditions. ClinVar contains an entry for this variant (Variation ID: 1052523). Advanced modeling of protein sequence and biophysical properties (such as structural, functional, and spatial information, amino acid conservation, physicochemical variation, residue mobility, and thermodynamic stability) performed at Invitae indicates that this missense variant is not expected to disrupt ADGRV1 protein function. This sequence change replaces proline, which is neutral and non-polar, with leucine, which is neutral and non-polar, at codon 61 of the ADGRV1 protein (p.Pro61Leu). This variant is not present in population databases (gnomAD no frequency). In summary, the available evidence is currently insufficient to determine the role of this variant in disease. Therefore, it has been classified as a Variant of Uncertain Significance.